The following is an entry in ClinVar:

ClinVar aggregate classification (germline): Pathogenic/Likely pathogenic. Review status: criteria provided, multiple submitters, no conflicts (2 of 4 stars). 3 submissions from 3 submitters: Pathogenic (1); Likely pathogenic (2). Last evaluated 2026-06-23.

Conditions:
FGFR3-related chondrodysplasia. Identifiers: Orphanet 93420, MedGen C5681604, MONDO:0019685.
Achondroplasia (ACH). Also called: Achondroplastic dwarfism. Identifiers: Orphanet 15, MedGen C0001080, MONDO:0007037, OMIM 100800. Disease mechanism: gain of function.

Submissions (3):

Genomenon, Inc
Classification: Likely pathogenic for FGFR3-related chondrodysplasia. Last evaluated: 2026-06-23. Review status: criteria provided, single submitter. Criteria: Genomenon Sequence Variant Interpretation Standards - Updated. Collection method: curation. Allele origin: germline. Affected: yes.
Comment: FGFR3 p.Ser344Cys (c.1031C>G) is a missense variant that changes the amino acid at codon 344 from Serine to Cysteine. This variant has been observed in at least one proband with an FGFR3-related disorder (PMID:38879704;37128991;30160829;26126848). A de novo occurrence of this variant has been observed in at least one affected individual (PMID:26126848). It is absent or not present at a significant frequency in gnomAD. In silico models predict that this variant is possibly or probably damaging. In conclusion, we classify FGFR3 p.Ser344Cys (c.1031C>G) as a likely pathogenic variant.

Labcorp Genetics (formerly Invitae), Labcorp
Classification: Pathogenic. Last evaluated: 2024-11-18. Review status: criteria provided, single submitter. Criteria: Invitae Variant Classification Sherloc (09022015). Collection method: clinical testing. Allele origin: germline.
Comment: This sequence change replaces serine, which is neutral and polar, with cysteine, which is neutral and slightly polar, at codon 344 of the FGFR3 protein (p.Ser344Cys). This variant is not present in population databases (gnomAD no frequency). This missense change has been observed in individual(s) with achondroplasia (PMID: 26126848, 30160829, 37128991; internal data). In at least one individual the variant was observed to be de novo. ClinVar contains an entry for this variant (Variation ID: 2203500). Invitae Evidence Modeling of protein sequence and biophysical properties (such as structural, functional, and spatial information, amino acid conservation, physicochemical variation, residue mobility, and thermodynamic stability) has been performed for this missense variant. However, the output from this modeling did not meet the statistical confidence thresholds required to predict the impact of this variant on FGFR3 protein function. For these reasons, this variant has been classified as Pathogenic.

Division of Human Genetics, National Health Laboratory Service/University of the Witwatersrand
Classification: Likely pathogenic for Achondroplasia. Last evaluated: 2023-07-01. Review status: criteria provided, single submitter. Criteria: ACMG Guidelines, 2015. Collection method: research. Allele origin: germline. Affected: yes.

Literature cited by the submitters: PubMed 38879704 (cited by Genomenon, Inc); PubMed 37128991 (cited by Genomenon, Inc and Labcorp Genetics (formerly Invitae), Labcorp); PubMed 30160829 (cited by Genomenon, Inc and Labcorp Genetics (formerly Invitae), Labcorp); PubMed 26126848 (cited by Genomenon, Inc and Labcorp Genetics (formerly Invitae), Labcorp); PubMed 34162030 (cited by Genomenon, Inc); PubMed 41748604 (cited by Genomenon, Inc); PubMed 38281003 (cited by Genomenon, Inc); PubMed 33511985 (cited by Genomenon, Inc); PubMed 33368972 (cited by Genomenon, Inc); PubMed 27987249 (cited by Genomenon, Inc); PubMed 26754866 (cited by Genomenon, Inc).

NM_000142.5(FGFR3):c.1031C>G (p.Ser344Cys)

Gene: FGFR3 (fibroblast growth factor receptor 3; plus strand). Cytogenetic location: 4p16.3.
Variant type: single nucleotide variant.
Coding change: c.1031C>G on transcript NM_000142.5 (MANE Select); coding-DNA position 1031, C replaced by G.
Protein change: p.Ser344Cys; replaces serine 344 with cysteine.
Molecular consequence: missense variant. On other transcripts: non-coding transcript variant (1), intron variant (2).
Genome position (GRCh38, 1-based): chr4:1,803,792, C>G. VCF-style: chr4-1803792-C-G. GRCh37 (hg19) VCF-style: chr4-1805519-C-G.
Other names: c.1031C>G, p.Ser344Cys (NM_001354809.2, NM_001354810.2); c.1082-538C>G (NM_001163213.2); c.931-1032C>G (NM_022965.4); short protein forms S344C.
Identifiers: ClinVar variation 2203500 (VCV002203500.6), dbSNP rs199702395, ClinGen allele CA355978425.